The following is an entry in ClinVar:

ClinVar aggregate classification (germline): Uncertain significance. Review status: criteria provided, multiple submitters, no conflicts (2 of 4 stars). 4 submissions from 2 submitters: Uncertain significance (4). Last evaluated 2022-07-11.

Conditions:
Fibrochondrogenesis 2 (FBCG2). Identifiers: Orphanet 2021, MedGen C3281128, MONDO:0013795, OMIM 614524.
Otospondylomegaepiphyseal dysplasia, autosomal recessive (OSMEDB). Also called: CHONDRODYSTROPHY WITH SENSORINEURAL DEAFNESS; Insley-Astley syndrome. Identifiers: Orphanet 1427, MedGen CN034493, MONDO:0044206, OMIM 215150.
Otospondylomegaepiphyseal dysplasia, autosomal dominant (OSMEDA). Also called: COL11A2-Related Stickler Syndrome; Stickler syndrome, type 3; Pierre Robin syndrome with fetal chondrodysplasia. Identifiers: Orphanet 166100, Orphanet 3450, MedGen C1848488, MONDO:0008490, OMIM 184840.

Allele frequency attached by ClinVar (database versions not stated): gnomAD exomes below 0.00001.
gnomAD v4.1: 1 of 1,578,996 alleles (0.000063%); highest among the groups gnomAD compares: Non-Finnish European, 0.000086%; no homozygotes.

Submissions (4):

Labcorp Genetics (formerly Invitae), Labcorp
Classification: Uncertain significance. Last evaluated: 2022-07-11. Review status: criteria provided, single submitter. Criteria: Invitae Variant Classification Sherloc (09022015). Collection method: clinical testing. Allele origin: germline.
Comment: This sequence change replaces glycine, which is neutral and non-polar, with serine, which is neutral and polar, at codon 1593 of the COL11A2 protein (p.Gly1593Ser). The frequency data for this variant in the population databases is considered unreliable, as metrics indicate poor data quality at this position in the gnomAD database. In summary, the available evidence is currently insufficient to determine the role of this variant in disease. Therefore, it has been classified as a Variant of Uncertain Significance. Advanced modeling of protein sequence and biophysical properties (such as structural, functional, and spatial information, amino acid conservation, physicochemical variation, residue mobility, and thermodynamic stability) performed at Invitae indicates that this missense variant is expected to disrupt COL11A2 protein function. ClinVar contains an entry for this variant (Variation ID: 905130). This variant has not been reported in the literature in individuals affected with COL11A2-related conditions.

Illumina Laboratory Services, Illumina
Classification: Uncertain significance for Otospondylomegaepiphyseal dysplasia, autosomal dominant. Last evaluated: 2018-01-12. Review status: criteria provided, single submitter. Criteria: ICSL Variant Classification Criteria 13 December 2019. Collection method: clinical testing. Allele origin: germline.

Illumina Laboratory Services, Illumina
Classification: Uncertain significance for Otospondylomegaepiphyseal dysplasia, autosomal recessive. Last evaluated: 2018-01-12. Review status: criteria provided, single submitter. Criteria: ICSL Variant Classification Criteria 13 December 2019. Collection method: clinical testing. Allele origin: germline.

Illumina Laboratory Services, Illumina
Classification: Uncertain significance for Fibrochondrogenesis 2. Last evaluated: 2018-01-12. Review status: criteria provided, single submitter. Criteria: ICSL Variant Classification Criteria 13 December 2019. Collection method: clinical testing. Allele origin: germline.

NM_080680.3(COL11A2):c.4777G>A (p.Gly1593Ser)

Gene: COL11A2 (collagen type XI alpha 2 chain; minus strand). Cytogenetic location: 6p21.32.
Variant type: single nucleotide variant.
Coding change: c.4777G>A on transcript NM_080680.3 (MANE Select); coding-DNA position 4777, G replaced by A.
Protein change: p.Gly1593Ser; replaces glycine 1593 with serine.
Molecular consequence: missense variant.
Genome position (GRCh38, 1-based): chr6:33,164,938, C>T on the plus strand (G>A on the coding strand, the complement: COL11A2 is on the minus strand). VCF-style: chr6-33164938-C-T. GRCh37 (hg19) VCF-style: chr6-33132715-C-T.
Other names: c.4456G>A, p.Gly1486Ser (NM_080679.3); c.4519G>A, p.Gly1507Ser (NM_080681.3); short protein forms G1593S, G1507S, G1486S.
Identifiers: ClinVar variation 905130 (VCV000905130.11), dbSNP rs1369015834, ClinGen allele CA363617747.
Genomic context (GRCh38, chr6:33,164,938, plus strand): 5'-CACAGGTCTCACCCCCTGCTGTGAAGTTGCAGAAAACTCGGAAGGCATCCCGAGCACAGC[C>T]CTGGTTGGGGTCGACCCAGTACTCTCCTGTTGGGTGAGGGAGAGGGGAGGTCAGGGCCAC-3'
Protein context (NP_542411.2, residues 1583-1603): DGEYWVDPNQ[Gly1593Ser]CARDAFRVFC